The following is an entry in ClinVar:

ClinVar aggregate classification (germline): Uncertain significance. Review status: criteria provided, multiple submitters, no conflicts (2 of 4 stars). 8 submissions from 8 submitters: Uncertain significance (8). Last evaluated 2026-05-22.

Conditions:
Hereditary cancer-predisposing syndrome. Also called: Tumor predisposition; Hereditary Cancer Syndrome; Hereditary neoplastic syndrome; Neoplastic Syndromes, Hereditary. Identifiers: Orphanet 140162, MedGen C0027672, MeSH D009386, MONDO:0015356.
Hereditary breast ovarian cancer syndrome. Also called: Hereditary breast and/or ovarian cancer syndrome; Hereditary breast and ovarian cancer; Breast and ovarian cancer; BRCA1- and BRCA2-Associated Hereditary Breast and Ovarian Cancer; Hereditary breast and ovarian cancer syndrome; Hereditary breast and ovarian cancer syndrome (HBOC). Identifiers: Orphanet 145, MedGen C0677776, MeSH D061325, MONDO:0003582. Disease mechanism: loss of function.
Hereditary diffuse gastric adenocarcinoma (HDGC). Also called: DIFFUSE GASTRIC AND LOBULAR BREAST CANCER SYNDROME. Identifiers: Orphanet 26106, MedGen C1708349, MONDO:0007648, OMIM 137215.
Familial cancer of breast. Also called: Hereditary breast cancer; hereditary breast carcinoma; BREAST CANCER, FAMILIAL. Identifiers: Orphanet 227535, MedGen C0346153, MONDO:0016419, OMIM 114480. Disease mechanism: loss of function.

Allele frequency attached by ClinVar (database versions not stated): gnomAD exomes below 0.00001.
gnomAD v4.1: 5 of 1,614,192 alleles (0.00031%); highest among the groups gnomAD compares: Non-Finnish European, 0.00025%; no homozygotes.

Submissions (8):

German Consortium for Hereditary Breast and Ovarian Cancer, University Hospital Cologne
Classification: Uncertain significance for Hereditary breast ovarian cancer syndrome. Last evaluated: 2026-05-22. Review status: criteria provided, single submitter. Criteria: ACMG SVI. Collection method: curation. Allele origin: germline.
Comment: This classification follows the ACMG SVI adaptation classification scheme; We chose this criterion: PM2 (supporting pathogenic): gnomAD v4: present in ≥2 individuals in NFE; n(total v4)=5/1,614,192 (≤ 1/ 50,000) -> PM2_sup

Labcorp Genetics (formerly Invitae), Labcorp
Classification: Uncertain significance for Hereditary diffuse gastric adenocarcinoma. Last evaluated: 2025-12-10. Review status: criteria provided, single submitter. Criteria: Invitae Variant Classification Sherloc (09022015). Collection method: clinical testing. Allele origin: germline.
Comment: This sequence change replaces asparagine, which is neutral and polar, with serine, which is neutral and polar, at codon 589 of the CDH1 protein (p.Asn589Ser). This variant is present in population databases (no rsID available, gnomAD 0.0009%). This missense change has been observed in individual(s) with colon cancer (PMID: 35418818). ClinVar contains an entry for this variant (Variation ID: 993058). An algorithm developed to predict the effect of missense changes on protein structure and function (PolyPhen-2) suggests that this variant is likely to be disruptive. In summary, the available evidence is currently insufficient to determine the role of this variant in disease. Therefore, it has been classified as a Variant of Uncertain Significance.

Ambry Genetics
Classification: Uncertain significance for Hereditary cancer-predisposing syndrome. Last evaluated: 2025-06-18. Review status: criteria provided, single submitter. Criteria: Ambry Variant Classification Scheme 2023. Collection method: clinical testing. Allele origin: germline.
Comment: The p.N589S variant (also known as c.1766A>G), located in coding exon 12 of the CDH1 gene, results from an A to G substitution at nucleotide position 1766. The asparagine at codon 589 is replaced by serine, an amino acid with highly similar properties. This alteration was detected in 1/5589 German BRCA1/2-negative probands with breast cancer (Hauke J et al. Cancer Med, 2018 04;7:1349-1358). This alteration was seen in 1/732 breast cancer patients, 0/189 colorectal cancer patients and 2/490 cancer-free elderly controls in a Turkish population (Akcay IM et al. Int J Cancer, 2021 Jan;148:285-295). This amino acid position is highly conserved in available vertebrate species. In addition, the in silico prediction for this alteration is inconclusive. Since supporting evidence is limited at this time, the clinical significance of this alteration remains unclear.

Baylor Genetics
Classification: Uncertain significance for Familial cancer of breast. Last evaluated: 2023-12-12. Review status: criteria provided, single submitter. Criteria: ACMG Guidelines, 2015. Collection method: clinical testing. Allele origin: unknown.

KCCC/NGS Laboratory, Kuwait Cancer Control Center
Classification: Uncertain significance for Familial cancer of breast. Last evaluated: 2023-07-04. Review status: criteria provided, single submitter. Criteria: ACMG Guidelines, 2015. Collection method: clinical testing. Allele origin: unknown. Inheritance: Autosomal dominant inheritance. Affected: yes. Observed: 1 heterozygote.
Comment: This missense variant replaces asparagine with serine at codon 589 of the CDH1 protein.The p.N589S variant is located in coding exon 12 of the CDH1 gene, results from an A to G substitution at nucleotide position 1766. The asparagine at codon 589 is replaced by serine, an amino acid with highly similar properties. This alteration was detected in 1/5589 German BRCA1/2-negative probands with breast cancer (Hauke J et al. Cancer Med, 2018 04;7:1349-1358). This amino acid position is highly conserved in available vertebrate species. In addition, the in silico prediction for this alteration is inconclusive. To our knowledge, functional studies have not been reported for this variant. Since supporting evidence is limited at this time, the clinical significance of this alteration remains unclear. Therefore, it is classified as variant of uncertain significance.

GeneDx
Classification: Uncertain significance. Last evaluated: 2023-02-09. Review status: criteria provided, single submitter. Criteria: GeneDx Variant Classification Process June 2021. Collection method: clinical testing. Allele origin: germline. Affected: yes.
Comment: Not observed at significant frequency in large population cohorts (gnomAD); In silico analysis supports that this missense variant has a deleterious effect on protein structure/function; Published functional studies demonstrate no aberrant splicing (Karam et al., 2019); This variant is associated with the following publications: (PMID: 15235021, 22850631, 35418818, 29522266, 33980423, 31642931)

Quest Diagnostics Nichols Institute San Juan Capistrano
Classification: Uncertain significance. Last evaluated: 2022-09-09. Review status: criteria provided, single submitter. Criteria: Quest Diagnostics criteria. Collection method: clinical testing. Allele origin: unknown.
Comment: The frequency of this variant in the general population, 0.000004 (1/251486 chromosomes), is uninformative in assessment of its pathogenicity. In a large-scale breast cancer association study, the variant was observed in an individual with breast cancer (PMID: 33471991 (2021), see also LOVD). Analysis of this variant using bioinformatics tools for the prediction of the effect of amino acid changes on protein structure and function yielded predictions that this variant is benign. Based on the available information, we are unable to determine the clinical significance of this variant.

Color Diagnostics, LLC DBA Color Health
Classification: Uncertain significance for Hereditary cancer-predisposing syndrome. Last evaluated: 2021-03-15. Review status: criteria provided, single submitter. Criteria: ACMG Guidelines, 2015. Collection method: clinical testing. Allele origin: germline.
Comment: This missense variant replaces asparagine with serine at codon 589 of the CDH1 protein. To our knowledge, functional studies have not been reported for this variant. This variant has not been reported in individuals affected with hereditary cancer in the literature. This variant has been identified in 1/251486 chromosomes in the general population by the Genome Aggregation Database (gnomAD). The available evidence is insufficient to determine the role of this variant in disease conclusively. Therefore, this variant is classified as a Variant of Uncertain Significance.

Literature cited by the submitters: PubMed 35418818 (cited by Labcorp Genetics (formerly Invitae), Labcorp and Ambry Genetics); PubMed 29522266 (cited by Ambry Genetics); PubMed 32658311 (cited by Ambry Genetics); PubMed 33471991 (cited by Quest Diagnostics Nichols Institute San Juan Capistrano).

NM_004360.5(CDH1):c.1766A>G (p.Asn589Ser)

Gene: CDH1 (cadherin 1; plus strand). Cytogenetic location: 16q22.1.
Variant type: single nucleotide variant.
Coding change: c.1766A>G on transcript NM_004360.5 (MANE Select); coding-DNA position 1766, A replaced by G.
Protein change: p.Asn589Ser; replaces asparagine 589 with serine.
Molecular consequence: missense variant. On other transcripts: 5 prime UTR variant (1).
Genome position (GRCh38, 1-based): chr16:68,822,055, A>G. VCF-style: chr16-68822055-A-G. GRCh37 (hg19) VCF-style: chr16-68855958-A-G.
Other names: c.1583A>G, p.Asn528Ser (NM_001317184.2); c.218A>G, p.Asn73Ser (NM_001317185.2); c.-200A>G (NM_001317186.2); short protein forms N528S, N589S, N73S.
Identifiers: ClinVar variation 993058 (VCV000993058.20), dbSNP rs1367108095, ClinGen allele CA396466524.